The following is an entry in ClinVar:

NM_021615.5(CHST6):c.277C>A (p.Arg93Ser)

Gene: CHST6 (carbohydrate sulfotransferase 6; minus strand). Cytogenetic location: 16q23.1.
Variant type: single nucleotide variant.
Coding change: c.277C>A on transcript NM_021615.5 (MANE Select); coding-DNA position 277, C replaced by A.
Protein change: p.Arg93Ser; replaces arginine 93 with serine.
Molecular consequence: missense variant.
Genome position (GRCh38, 1-based): chr16:75,479,552, G>T on the plus strand (C>A on the coding strand, the complement: CHST6 is on the minus strand). VCF-style: chr16-75479552-G-T. GRCh37 (hg19) VCF-style: chr16-75513450-G-T.
Other names: short protein forms R93S.
Identifiers: ClinVar variation 5079 (VCV000005079.2), dbSNP rs121917826, ClinGen allele CA117250.

ClinVar aggregate classification (germline): Uncertain significance. Review status: criteria provided, single submitter (1 of 4 stars). 2 submissions from 2 submitters: Uncertain significance (1). 1 of the submissions does not count toward it. Last evaluated 2025-11-19.

Conditions:
Macular corneal dystrophy, type II. Identifiers: MedGen C1691013.

Allele frequency attached by ClinVar (database versions not stated): TOPMed below 0.00001.

Submissions (2):

Women's Health and Genetics/Laboratory Corporation of America, LabCorp
Classification: Uncertain significance. Last evaluated: 2025-11-19. Review status: criteria provided, single submitter. Criteria: LabCorp Variant Classification Summary - May 2015. Collection method: clinical testing. Allele origin: germline.
Comment: Variant summary: CHST6 c.277C>A (p.Arg93Ser) results in a non-conservative amino acid change in the encoded protein sequence. Algorithms developed to predict the effect of missense changes on protein structure and function all suggest that this variant is likely to be disruptive. The variant allele was found at a frequency of 4e-06 in 249296 control chromosomes (gnomAD). c.277C>A has been observed in individuals affected with Macular Corneal Dystrophy (Aldave_2004, Klintworth_2006, Weiss_2008). These data indicate that the variant may be associated with disease. To our knowledge, no experimental evidence demonstrating an impact on protein function has been reported. The following publications have been ascertained in the context of this evaluation (PMID: 15013869, 16568029, 19337156). ClinVar contains an entry for this variant (Variation ID: 5079). Based on the evidence outlined above, the variant was classified as VUS-possibly pathogenic.

OMIM
Classification: Pathogenic for MACULAR CORNEAL DYSTROPHY, TYPE II. Last evaluated: 2004-03-01. Review status: no assertion criteria provided. Collection method: literature only. Allele origin: germline. Not counted in ClinVar's aggregate classification.

Literature cited by the submitters: PubMed 16568029 (cited by Women's Health and Genetics/Laboratory Corporation of America, LabCorp); PubMed 19337156 (cited by Women's Health and Genetics/Laboratory Corporation of America, LabCorp); PubMed 15013869 (cited by Women's Health and Genetics/Laboratory Corporation of America, LabCorp and OMIM).